The following is an entry in ClinVar:

NM_004958.4(MTOR):c.2860G>T (p.Ala954Ser)

Gene: MTOR (mechanistic target of rapamycin kinase; minus strand). Cytogenetic location: 1p36.22.
Variant type: single nucleotide variant.
Coding change: c.2860G>T on transcript NM_004958.4 (MANE Select); coding-DNA position 2860, G replaced by T.
Protein change: p.Ala954Ser; replaces alanine 954 with serine.
Molecular consequence: missense variant.
Genome position (GRCh38, 1-based): chr1:11,228,838, C>A on the plus strand (G>T on the coding strand, the complement: MTOR is on the minus strand). VCF-style: chr1-11228838-C-A. GRCh37 (hg19) VCF-style: chr1-11288895-C-A.
Other names: c.2860G>T, p.Ala954Ser (NM_001386500.1); c.1612G>T, p.Ala538Ser (NM_001386501.1); short protein forms A538S, A954S.
Identifiers: ClinVar variation 4799838 (VCV004799838.1).

ClinVar aggregate classification (germline): Uncertain significance (1 of 4 stars; one submission).

Submission:

Labcorp Genetics (formerly Invitae), Labcorp
Classification: Uncertain significance. Last evaluated: 2025-06-04. Review status: criteria provided, single submitter. Criteria: Invitae Variant Classification Sherloc (09022015). Collection method: clinical testing. Allele origin: germline.
Comment: This sequence change replaces alanine, which is neutral and non-polar, with serine, which is neutral and polar, at codon 954 of the MTOR protein (p.Ala954Ser). This variant is not present in population databases (gnomAD no frequency). This variant has not been reported in the literature in individuals affected with MTOR-related conditions. Invitae Evidence Modeling of protein sequence and biophysical properties (such as structural, functional, and spatial information, amino acid conservation, physicochemical variation, residue mobility, and thermodynamic stability) indicates that this missense variant is not expected to disrupt MTOR protein function with a negative predictive value of 95%. In summary, the available evidence is currently insufficient to determine the role of this variant in disease. Therefore, it has been classified as a Variant of Uncertain Significance.